The following is an entry in ClinVar:

NM_016180.5(SLC45A2):c.1381C>T (p.Pro461Ser)

Gene: SLC45A2 (solute carrier family 45 member 2; minus strand). Cytogenetic location: 5p13.2.
Variant type: single nucleotide variant.
Coding change: c.1381C>T on transcript NM_016180.5 (MANE Select); coding-DNA position 1381, C replaced by T.
Protein change: p.Pro461Ser; replaces proline 461 with serine.
Molecular consequence: missense variant.
Genome position (GRCh38, 1-based): chr5:33,944,860, G>A on the plus strand (C>T on the coding strand, the complement: SLC45A2 is on the minus strand). VCF-style: chr5-33944860-G-A. GRCh37 (hg19) VCF-style: chr5-33944965-G-A.
Other names: short protein forms P461S.
Identifiers: ClinVar variation 1432156 (VCV001432156.6), dbSNP rs2111893469, ClinGen allele CA359387558.

ClinVar aggregate classification (germline): Uncertain significance (1 of 4 stars; one submission).

Submission:

Labcorp Genetics (formerly Invitae), Labcorp
Classification: Uncertain significance. Last evaluated: 2022-08-22. Review status: criteria provided, single submitter. Criteria: Invitae Variant Classification Sherloc (09022015). Collection method: clinical testing. Allele origin: germline.
Comment: This sequence change replaces proline, which is neutral and non-polar, with serine, which is neutral and polar, at codon 461 of the SLC45A2 protein (p.Pro461Ser). This variant is not present in population databases (gnomAD no frequency). This variant has not been reported in the literature in individuals affected with SLC45A2-related conditions. ClinVar contains an entry for this variant (Variation ID: 1432156). Algorithms developed to predict the effect of missense changes on protein structure and function output the following: SIFT: "Tolerated"; PolyPhen-2: "Benign"; Align-GVGD: "Class C0". The serine amino acid residue is found in multiple mammalian species, which suggests that this missense change does not adversely affect protein function. In summary, the available evidence is currently insufficient to determine the role of this variant in disease. Therefore, it has been classified as a Variant of Uncertain Significance.